The following is an entry in ClinVar:

ClinVar aggregate classification (germline): Uncertain significance (1 of 4 stars; one submission).

Conditions:
Neuropathy, hereditary sensory and autonomic, type 2A (HSAN2A). Also called: HSAN IIA; MORVAN DISEASE; NEUROPATHY, CONGENITAL SENSORY; NEUROPATHY, HEREDITARY SENSORY RADICULAR, AUTOSOMAL RECESSIVE; NEUROPATHY, HEREDITARY SENSORY, TYPE IIA; NEUROPATHY, PROGRESSIVE SENSORY, OF CHILDREN. Identifiers: Orphanet 970, MedGen C2752089, MONDO:0024309, OMIM 201300.
Generalized epilepsy with febrile seizures plus, type 7 (GEFSP7). Also called: GEFS+, TYPE 7. Identifiers: Orphanet 36387, MedGen C2751778, MONDO:0013470, OMIM 613863.

Allele frequency attached by ClinVar (database versions not stated): gnomAD 0.00001; TOPMed 0.00001.
gnomAD v4.1: 2 of 1,606,768 alleles (0.00012%); highest among the groups gnomAD compares: African/African-American, 0.0027%; no homozygotes.

Submission:

Labcorp Genetics (formerly Invitae), Labcorp
Classification: Uncertain significance for Neuropathy, hereditary sensory and autonomic, type 2A; Generalized epilepsy with febrile seizures plus, type 7. Last evaluated: 2024-04-24. Review status: criteria provided, single submitter. Criteria: Invitae Variant Classification Sherloc (09022015). Collection method: clinical testing. Allele origin: germline.
Comment: This sequence change replaces methionine, which is neutral and non-polar, with isoleucine, which is neutral and non-polar, at codon 780 of the SCN9A protein (p.Met780Ile). This variant is not present in population databases (gnomAD no frequency). This variant has not been reported in the literature in individuals affected with SCN9A-related conditions. ClinVar contains an entry for this variant (Variation ID: 2195911). Advanced modeling of protein sequence and biophysical properties (such as structural, functional, and spatial information, amino acid conservation, physicochemical variation, residue mobility, and thermodynamic stability) has been performed at Invitae for this missense variant, however the output from this modeling did not meet the statistical confidence thresholds required to predict the impact of this variant on SCN9A protein function. In summary, the available evidence is currently insufficient to determine the role of this variant in disease. Therefore, it has been classified as a Variant of Uncertain Significance.

NM_001365536.1(SCN9A):c.2373G>A (p.Met791Ile)

Genes: SCN9A (sodium voltage-gated channel alpha subunit 9; minus strand), SCN1A-AS1 (SCN1A and SCN9A antisense RNA 1; plus strand). Cytogenetic location: 2q24.3.
Variant type: single nucleotide variant.
Coding change: c.2373G>A on transcript NM_001365536.1 (MANE Select); coding-DNA position 2373, G replaced by A.
Protein change: p.Met791Ile; replaces methionine 791 with isoleucine.
Molecular consequence: missense variant.
Genome position (GRCh38, 1-based): chr2:166,278,284, C>T on the plus strand (G>A on the coding strand, the complement: SCN9A is on the minus strand). VCF-style: chr2-166278284-C-T. GRCh37 (hg19) VCF-style: chr2-167134794-C-T.
Other names: c.2340G>A, p.Met780Ile (NM_002977.4); short protein forms M791I, M780I.
Identifiers: ClinVar variation 2195911 (VCV002195911.4), dbSNP rs1697326785, ClinGen allele CA349078482.
Genomic context (GRCh38, chr2:166,278,284, plus strand): 5'-AAAAATATTCCAGCCTACTTGGAAATACTCATATGGATCCATGGCAATCAGTTTTAATAC[C>T]ATTTCAGCTGCAAAGATTCCAGTAAAGACCTAAGTGAGAAAAATAATGTTTTTCTGTTAA-3'
Protein context (NP_001352465.1, residues 781-801): LVFTGIFAAE[Met791Ile]VLKLIAMDPY